The following is an entry in ClinVar:

ClinVar aggregate classification (germline): Uncertain significance. Review status: criteria provided, multiple submitters, no conflicts (2 of 4 stars). 2 submissions from 2 submitters: Uncertain significance (2). Last evaluated 2025-11-21.

Conditions:
Familial thoracic aortic aneurysm and aortic dissection (TAAD). Also called: Thoracic aortic aneurysms and dissections. Identifiers: Orphanet 91387, MedGen C4707243, MONDO:0019625.
Aortic aneurysm, familial thoracic 7 (AAT7). Also called: AORTIC DISSECTION, FAMILIAL, WITH OR WITHOUT AORTIC ANEURYSM. Identifiers: MedGen C3151077, MONDO:0013418, OMIM 613780.

Submissions (2):

Labcorp Genetics (formerly Invitae), Labcorp
Classification: Uncertain significance for Aortic aneurysm, familial thoracic 7. Last evaluated: 2025-11-21. Review status: criteria provided, single submitter. Criteria: Invitae Variant Classification Sherloc (09022015). Collection method: clinical testing. Allele origin: germline.
Comment: This sequence change replaces glutamic acid, which is acidic and polar, with glycine, which is neutral and non-polar, at codon 714 of the MYLK protein (p.Glu714Gly). This variant is present in population databases (no rsID available, gnomAD 0.002%). This variant has not been reported in the literature in individuals affected with MYLK-related conditions. ClinVar contains an entry for this variant (Variation ID: 3915773). An algorithm developed to predict the effect of missense changes on protein structure and function (PolyPhen-2) suggests that this variant is likely to be tolerated. In summary, the available evidence is currently insufficient to determine the role of this variant in disease. Therefore, it has been classified as a Variant of Uncertain Significance.

Ambry Genetics
Classification: Uncertain significance for Familial thoracic aortic aneurysm and aortic dissection. Last evaluated: 2025-05-24. Review status: criteria provided, single submitter. Criteria: Ambry Variant Classification Scheme 2023. Collection method: clinical testing. Allele origin: germline.
Comment: The p.E714G variant (also known as c.2141A>G) is located in coding exon 13 of the MYLK gene. The glutamic acid at codon 714 is replaced by glycine, an amino acid with similar properties. This change occurs in the first base pair of coding exon 13. This amino acid position is conserved. In addition, this alteration is predicted to be tolerated by in silico analysis. Based on the available evidence, the clinical significance of this variant remains unclear.

NM_053025.4(MYLK):c.2141A>G (p.Glu714Gly)

Gene: MYLK (myosin light chain kinase; minus strand). Cytogenetic location: 3q21.1.
Variant type: single nucleotide variant.
Coding change: c.2141A>G on transcript NM_053025.4 (MANE Select); coding-DNA position 2141, A replaced by G.
Protein change: p.Glu714Gly; replaces glutamic acid 714 with glycine.
Molecular consequence: missense variant.
Genome position (GRCh38, 1-based): chr3:123,708,003, T>C on the plus strand (A>G on the coding strand, the complement: MYLK is on the minus strand). VCF-style: chr3-123708003-T-C. GRCh37 (hg19) VCF-style: chr3-123426850-T-C.
Other names: c.1613A>G, p.Glu538Gly (NM_001321309.2); c.1934A>G, p.Glu645Gly (NM_053026.4, NM_053028.4); c.2141A>G, p.Glu714Gly (NM_053027.4); short protein forms E645G, E538G, E714G.
Identifiers: ClinVar variation 3915773 (VCV003915773.2).